The following is an entry in ClinVar:

ClinVar aggregate classification (germline): Uncertain significance. Review status: criteria provided, multiple submitters, no conflicts (2 of 4 stars). 2 submissions from 2 submitters: Uncertain significance (2). Last evaluated 2025-11-13.

Conditions:
Inborn genetic diseases. Identifiers: MedGen C0950123, MeSH D030342.

Submissions (2):

Labcorp Genetics (formerly Invitae), Labcorp
Classification: Uncertain significance. Last evaluated: 2025-11-13. Review status: criteria provided, single submitter. Criteria: Invitae Variant Classification Sherloc (09022015). Collection method: clinical testing. Allele origin: germline.
Comment: This sequence change replaces proline, which is neutral and non-polar, with arginine, which is basic and polar, at codon 31 of the FOXI3 protein (p.Pro31Arg). The frequency data for this variant in the population databases is considered unreliable, as metrics indicate poor data quality at this position in the gnomAD database. This variant has not been reported in the literature in individuals affected with FOXI3-related conditions. ClinVar contains an entry for this variant (Variation ID: 2187375). Experimental studies and prediction algorithms are not available or were not evaluated, and the functional significance of this variant is currently unknown. In summary, the available evidence is currently insufficient to determine the role of this variant in disease. Therefore, it has been classified as a Variant of Uncertain Significance.

Ambry Genetics
Classification: Uncertain significance for Inborn genetic diseases. Last evaluated: 2025-09-11. Review status: criteria provided, single submitter. Criteria: Ambry Variant Classification Scheme 2023. Collection method: clinical testing. Allele origin: germline.

NM_001135649.3(FOXI3):c.92C>G (p.Pro31Arg)

Gene: FOXI3 (forkhead box I3; minus strand). Cytogenetic location: 2p11.2.
Variant type: single nucleotide variant.
Coding change: c.92C>G on transcript NM_001135649.3 (MANE Select); coding-DNA position 92, C replaced by G.
Protein change: p.Pro31Arg; replaces proline 31 with arginine.
Molecular consequence: missense variant.
Genome position (GRCh38, 1-based): chr2:88,452,444, G>C on the plus strand (C>G on the coding strand, the complement: FOXI3 is on the minus strand). VCF-style: chr2-88452444-G-C. GRCh37 (hg19) VCF-style: chr2-88751962-G-C.
Other names: c.92C>G (NM_001135649.1); short protein forms P31R.
Identifiers: ClinVar variation 2187375 (VCV002187375.5), dbSNP rs962277897, ClinGen allele CA51944252.